The following is an entry in ClinVar:

NM_003183.6(ADAM17):c.769dup (p.Arg257fs)

Gene: ADAM17 (ADAM metallopeptidase domain 17; minus strand). Cytogenetic location: 2p25.1.
Variant type: Duplication.
Coding change: c.769dup on transcript NM_003183.6 (MANE Select); coding-DNA position 769, one base duplicated (A; older notation c.769dupA).
Protein change: p.Arg257fs; shifts the reading frame from arginine 257.
Molecular consequence: frameshift variant. On other transcripts: 5 prime UTR variant (1).
Genome position (GRCh38, 1-based): chr2:9,523,323, T duplicated on the plus strand (A on the coding strand, the reverse complement: ADAM17 is on the minus strand). VCF-style (leftmost placement, unchanged base first): chr2-9523322-C-CT. GRCh37 (hg19) VCF-style: chr2-9663451-C-CT.
Other names: c.109dup, p.Arg37fs (NM_001382777.1); c.-134dup (NM_001382778.1); short protein forms R257fs, R37fs.
Identifiers: ClinVar variation 4293786 (VCV004293786.1).

ClinVar aggregate classification (germline): Likely pathogenic (1 of 4 stars; one submission).

Conditions:
Inflammatory skin and bowel disease, neonatal, 1. Identifiers: Orphanet 294023, MedGen C3280501, MONDO:0013693, OMIM 614328.

Submission:

3billion
Classification: Likely pathogenic for Inflammatory skin and bowel disease, neonatal, 1. Last evaluated: 2024-08-22. Review status: criteria provided, single submitter. Criteria: ACMG Guidelines, 2015. Collection method: clinical testing. Allele origin: germline. Affected: yes.
Comment: The variant is not observed in the gnomAD v4.0.0 dataset. Predicted Consequence/Location: Frameshift: predicted to result in a loss or disruption of normal protein function through nonsense-mediated decay (NMD) or protein truncation. Multiple pathogenic variants are reported downstream of the variant. Therefore, this variant is classified as Likely pathogenic according to the recommendation of ACMG/AMP guideline.